The following is an entry in ClinVar:

ClinVar aggregate classification (germline): Uncertain significance. Review status: criteria provided, multiple submitters, no conflicts (2 of 4 stars). 2 submissions from 2 submitters: Uncertain significance (2). Last evaluated 2025-05-21.

Conditions:
Metachromatic leukodystrophy (MLD). Also called: SULFATIDE LIPIDOSIS; Cerebral sclerosis diffuse metachromatic form; ARSA DEFICIENCY; CEREBROSIDE SULFATASE DEFICIENCY; METACHROMATIC LEUKOENCEPHALOPATHY; Arylsulfatase A Deficiency. Identifiers: Orphanet 512, MedGen C0023522, MONDO:0018868, OMIM 250100.

Allele frequency attached by ClinVar (database versions not stated): ExAC 0.00001.

Submissions (2):

3billion
Classification: Uncertain significance for Metachromatic leukodystrophy. Last evaluated: 2025-05-21. Review status: criteria provided, single submitter. Criteria: ACMG Guidelines, 2015. Collection method: clinical testing. Allele origin: germline. Affected: yes.
Comment: The variant is observed at an extremely low frequency in the gnomAD v4.1.0 dataset (total allele frequency: <0.001%). Predicted Consequence/Location: Missense variant In silico tool predictions suggest damaging effect of the variant on gene or gene product [3Cnet: 0.81 (> 0.75, sensitivity 0.96 and precision 0.92)]. Different missense changes at the same codon have been reported as of uncertain significance (ClinVar ID: VCV002060430; 3billion dataset). Therefore, this variant is classified as VUS according to the recommendation of ACMG/AMP guideline.

Blueprint Genetics
Classification: Uncertain significance. Last evaluated: 2017-10-16. Review status: criteria provided, single submitter. Criteria: ACMG Guidelines, 2015. Collection method: clinical testing. Allele origin: germline.

NM_000487.6(ARSA):c.647G>A (p.Arg216His)

Gene: ARSA (arylsulfatase A; minus strand). Cytogenetic location: 22q13.33.
Variant type: single nucleotide variant.
Coding change: c.647G>A on transcript NM_000487.6 (MANE Select); coding-DNA position 647, G replaced by A.
Protein change: p.Arg216His; replaces arginine 216 with histidine.
Molecular consequence: missense variant.
Genome position (GRCh38, 1-based): chr22:50,626,871, C>T on the plus strand (G>A on the coding strand, the complement: ARSA is on the minus strand). VCF-style: chr22-50626871-C-T. GRCh37 (hg19) VCF-style: chr22-51065299-C-T.
Other names: c.647G>A, p.Arg216His (NM_001085425.3, NM_001085426.3, NM_001085427.3); c.389G>A, p.Arg130His (NM_001085428.3, NM_001362782.2); short protein forms R130H, R216H.
Identifiers: ClinVar variation 4854561 (VCV004854561.2), dbSNP rs551695586.